The following is an entry in ClinVar:

NM_031907.3(USP26):c.508G>A (p.Gly170Arg)

Gene: USP26 (ubiquitin specific peptidase 26; minus strand). Cytogenetic location: Xq26.2.
Variant type: single nucleotide variant.
Coding change: c.508G>A on transcript NM_031907.3 (MANE Select); coding-DNA position 508, G replaced by A.
Protein change: p.Gly170Arg; replaces glycine 170 with arginine.
Molecular consequence: missense variant.
Genome position (GRCh38, 1-based): chrX:133,027,713, C>T on the plus strand (G>A on the coding strand, the complement: USP26 is on the minus strand). VCF-style: chrX-133027713-C-T. GRCh37 (hg19) VCF-style: chrX-132161741-C-T.
Other names: short protein forms G170R.
Identifiers: ClinVar variation 2661462 (VCV002661462.24), dbSNP rs760869112, ClinGen allele CA10520002.

ClinVar aggregate classification (germline): Likely benign (1 of 4 stars; one submission).

Allele frequency attached by ClinVar (database versions not stated): gnomAD 0.00015; TOPMed 0.00016; ExAC 0.00038; gnomAD exomes 0.00040; 1000 Genomes Project 0.00053; 1000 Genomes Project 30x 0.00062.
gnomAD v4.1: 447 of 1,207,238 alleles (0.037%); highest among the groups gnomAD compares: South Asian, 0.17%; 1 homozygote.

Submission:

CeGaT Center for Human Genetics Tuebingen
Classification: Likely benign. Last evaluated: 2023-03-01. Review status: criteria provided, single submitter. Criteria: CeGaT Center For Human Genetics Tuebingen Variant Classification Criteria Version 2. Collection method: clinical testing. Allele origin: germline. Affected: yes. Observed: 1 variant allele.
Comment: USP26: BP4, BS2